The following is an entry in ClinVar:

ClinVar aggregate classification (germline): Uncertain significance (1 of 4 stars; one submission).

Conditions:
Mowat-Wilson syndrome (MOWS). Also called: Classic Mowat-Wilson Syndrome. Identifiers: Orphanet 2152, MedGen C1856113, MONDO:0009341, OMIM 235730.

Submission:

Labcorp Genetics (formerly Invitae), Labcorp
Classification: Uncertain significance for Mowat-Wilson syndrome. Last evaluated: 2020-09-07. Review status: criteria provided, single submitter. Criteria: Invitae Variant Classification Sherloc (09022015). Collection method: clinical testing. Allele origin: germline.
Comment: This variant is not present in population databases (ExAC no frequency). This sequence change replaces glycine with serine at codon 9 of the ZEB2 protein (p.Gly9Ser). The glycine residue is weakly conserved and there is a small physicochemical difference between glycine and serine. This variant has not been reported in the literature in individuals with ZEB2-related conditions. Algorithms developed to predict the effect of missense changes on protein structure and function (SIFT, PolyPhen-2, Align-GVGD) all suggest that this variant is likely to be tolerated, but these predictions have not been confirmed by published functional studies and their clinical significance is uncertain. In summary, the available evidence is currently insufficient to determine the role of this variant in disease. Therefore, it has been classified as a Variant of Uncertain Significance.

NM_014795.4(ZEB2):c.25G>A (p.Gly9Ser)

Gene: ZEB2 (zinc finger E-box binding homeobox 2; minus strand). Cytogenetic location: 2q22.3.
Variant type: single nucleotide variant.
Coding change: c.25G>A on transcript NM_014795.4 (MANE Select); coding-DNA position 25, G replaced by A.
Protein change: p.Gly9Ser; replaces glycine 9 with serine.
Molecular consequence: missense variant. On other transcripts: non-coding transcript variant (1).
Genome position (GRCh38, 1-based): chr2:144,517,326, C>T on the plus strand (G>A on the coding strand, the complement: ZEB2 is on the minus strand). VCF-style: chr2-144517326-C-T. GRCh37 (hg19) VCF-style: chr2-145274893-C-T.
Other names: c.25G>A, p.Gly9Ser (NM_001171653.2); short protein forms G9S.
Identifiers: ClinVar variation 1008621 (VCV001008621.8), dbSNP rs1705172544, ClinGen allele CA348858401.